The following is an entry in ClinVar:

NM_000088.4(COL1A1):c.2309del (p.Gly770fs)

Gene: COL1A1 (collagen type I alpha 1 chain; minus strand). Cytogenetic location: 17q21.33.
Variant type: Deletion.
Coding change: c.2309del on transcript NM_000088.4 (MANE Select); coding-DNA position 2309, one base deleted (G; older notation c.2309delG).
Protein change: p.Gly770fs; shifts the reading frame from glycine 770.
Molecular consequence: frameshift variant.
Genome position (GRCh38, 1-based): chr17:50,190,851, C deleted on the plus strand (G on the coding strand, the reverse complement: COL1A1 is on the minus strand); the first of 2 consecutive C bases (chr17:50,190,851-50,190,852); deleting either gives the same sequence. VCF-style (leftmost placement, unchanged base first): chr17-50190850-AC-A. GRCh37 (hg19) VCF-style: chr17-48268211-AC-A.
Other names: c.2309delG (NM_000088.4); short protein forms G770fs.
Identifiers: ClinVar variation 4280695 (VCV004280695.1).
Genomic context (GRCh38, chr17:50,190,850, plus strand): 5'-CAGAAGGTGGGGAGGCGGCCACCTCACCTTGTCACCAGGGGCACCAGCAGGGCCAGGAGG[AC>A]CAATGGGGCCAGTCAGACCACGGACGCCATCTTTGCCAGGAGAGCCATCAGCACCTTTGG-3'

ClinVar aggregate classification (germline): Pathogenic (1 of 4 stars; one submission).

Conditions:
Osteogenesis imperfecta type I (OI1). Also called: OI, TYPE I; OSTEOGENESIS IMPERFECTA TARDA; OSTEOGENESIS IMPERFECTA WITH BLUE SCLERAE; Osteogenesis imperfecta type 1; Lobstein's Disease; Lobstein disease. Identifiers: Orphanet 216796, Orphanet 666, MedGen C0023931, MONDO:0008146, OMIM 166200. Disease mechanism: loss of function.

Submission:

Laboratory of Genetic Skeletal Anomaly, Seoul National University Children's Hospital
Classification: Pathogenic for Osteogenesis imperfecta type I. Last evaluated: 2025-03-01. Review status: criteria provided, single submitter. Criteria: ACMG Guidelines, 2015. Collection method: research. Allele origin: germline. Affected: yes.
Comment: This variant is a novel variant not previously reported in the literature or population databases. It was classified based on available in silico predictions and absence from gnomAD.